The following is an entry in ClinVar:

ClinVar aggregate classification (germline): Benign/Likely benign. Review status: criteria provided, multiple submitters, no conflicts (2 of 4 stars). 4 submissions from 4 submitters: Benign (1); Likely benign (2). 1 of the submissions does not count toward it. Last evaluated 2025-08-20.

Conditions:
ITPR1-related disorder. Also called: ITPR1-related condition.

Allele frequency attached by ClinVar (database versions not stated): ExAC 0.00003; gnomAD exomes 0.00004; gnomAD 0.00006; TOPMed 0.00009.
gnomAD v4.1: 48 of 1,613,890 alleles (0.003%); highest among the groups gnomAD compares: Middle Eastern, 0.033%; no homozygotes.

Submissions (4):

Labcorp Genetics (formerly Invitae), Labcorp
Classification: Likely benign. Last evaluated: 2025-08-20. Review status: criteria provided, single submitter. Criteria: Invitae Variant Classification Sherloc (09022015). Collection method: clinical testing. Allele origin: germline.

GeneDx
Classification: Likely benign. Last evaluated: 2021-02-02. Review status: criteria provided, single submitter. Criteria: GeneDx Variant Classification Process June 2021. Collection method: clinical testing. Allele origin: germline. Affected: yes.

Athena Diagnostics
Classification: Benign. Last evaluated: 2019-02-14. Review status: criteria provided, single submitter. Criteria: Athena Diagnostics Criteria. Collection method: clinical testing. Allele origin: germline.

PreventionGenetics, part of Exact Sciences
Classification: Likely benign for ITPR1-related condition. Last evaluated: 2019-08-09. Review status: no assertion criteria provided. Collection method: clinical testing. Allele origin: germline. Not counted in ClinVar's aggregate classification.
Comment: This variant is classified as likely benign based on ACMG/AMP sequence variant interpretation guidelines (Richards et al. 2015 PMID: 25741868, with internal and published modifications).

NM_001378452.1(ITPR1):c.7068C>T (p.Val2356=)

Gene: ITPR1 (inositol 1,4,5-trisphosphate receptor type 1; plus strand). Cytogenetic location: 3p26.1.
Variant type: single nucleotide variant.
Coding change: c.7068C>T on transcript NM_001378452.1 (MANE Select); coding-DNA position 7068, C replaced by T.
Protein change: p.Val2356=; no amino-acid change (valine 2356 retained).
Molecular consequence: synonymous variant.
Genome position (GRCh38, 1-based): chr3:4,800,561, C>T. VCF-style: chr3-4800561-C-T. GRCh37 (hg19) VCF-style: chr3-4842245-C-T.
Other names: c.6924C>T, p.Val2308= (NM_001099952.4); c.7023C>T, p.Val2341= (NM_001168272.2); c.6879C>T, p.Val2293= (NM_002222.7); c.6879C>T (NM_002222.5).
Identifiers: ClinVar variation 804948 (VCV000804948.9), dbSNP rs780138157, ClinGen allele CA2232767.